The following is an entry in ClinVar:

NM_000043.6(FAS):c.430G>T (p.Asp144Tyr)

Gene: FAS (Fas cell surface death receptor; plus strand). Cytogenetic location: 10q23.31.
Variant type: single nucleotide variant.
Coding change: c.430G>T on transcript NM_000043.6 (MANE Select); coding-DNA position 430, G replaced by T.
Protein change: p.Asp144Tyr; replaces aspartic acid 144 with tyrosine.
Molecular consequence: missense variant. On other transcripts: non-coding transcript variant (1).
Genome position (GRCh38, 1-based): chr10:89,008,984, G>T. VCF-style: chr10-89008984-G-T. GRCh37 (hg19) VCF-style: chr10-90768741-G-T.
Other names: c.430G>T, p.Asp144Tyr (NM_001320619.2, NM_152871.4, NM_152872.4); c.475G>T, p.Asp159Tyr (NM_001410956.1); short protein forms D144Y, D159Y.
Identifiers: ClinVar variation 2782671 (VCV002782671.3), dbSNP rs753670814, ClinGen allele CA377508830.
Genomic context (GRCh38, chr10:89,008,984, plus strand): 5'-AATACCAAGTGCAGATGTAAACCAAACTTTTTTTGTAACTCTACTGTATGTGAACACTGT[G>T]ACCCTTGCACCAAGTAAGTTTTAGTCTTTCTCTGATTAAAACACTAGATATAACATGAGA-3'
Protein context (NP_000034.1, residues 134-154): FCNSTVCEHC[Asp144Tyr]PCTKCEHGII

ClinVar aggregate classification (germline): Uncertain significance (1 of 4 stars; one submission).

Conditions:
Autoimmune lymphoproliferative syndrome type 1. Also called: AUTOIMMUNE LYMPHOPROLIFERATIVE SYNDROME, TYPE I, AUTOSOMAL DOMINANT. Identifiers: Orphanet 3261, MedGen C2717884, MONDO:0011158, OMIM 601859.

gnomAD v4.1: 6 of 1,613,234 alleles (0.00037%); highest among the groups gnomAD compares: Non-Finnish European, 0.00042%; no homozygotes.

Submission:

Labcorp Genetics (formerly Invitae), Labcorp
Classification: Uncertain significance for Autoimmune lymphoproliferative syndrome. Last evaluated: 2024-06-15. Review status: criteria provided, single submitter. Criteria: Invitae Variant Classification Sherloc (09022015). Collection method: clinical testing. Allele origin: germline.
Comment: This sequence change replaces aspartic acid, which is acidic and polar, with tyrosine, which is neutral and polar, at codon 144 of the FAS protein (p.Asp144Tyr). This variant is present in population databases (no rsID available, gnomAD 0.002%). This variant has not been reported in the literature in individuals affected with FAS-related conditions. Algorithms developed to predict the effect of missense changes on protein structure and function output the following: SIFT: "Not Available"; PolyPhen-2: "Benign"; Align-GVGD: "Not Available". The tyrosine amino acid residue is found in multiple mammalian species, which suggests that this missense change does not adversely affect protein function. Algorithms developed to predict the effect of sequence changes on RNA splicing suggest that this variant may disrupt the consensus splice site. In summary, the available evidence is currently insufficient to determine the role of this variant in disease. Therefore, it has been classified as a Variant of Uncertain Significance.